The following is an entry in ClinVar:

ClinVar aggregate classification (germline): Benign/Likely benign. Review status: criteria provided, multiple submitters, no conflicts (2 of 4 stars). 9 submissions from 9 submitters: Benign (5); Likely benign (4). Last evaluated 2026-01-04.

Conditions:
Tuberous sclerosis 1 (TSC1). Identifiers: Orphanet 805, MedGen C1854465, MONDO:0008612, OMIM 191100.
Lymphangiomyomatosis (LAM). Also called: Lymphangioleiomyomatosis, somatic; Lymphangioleiomyomatosis. Identifiers: Orphanet 538, MedGen C0751674, MONDO:0011705, OMIM 606690.
Isolated focal cortical dysplasia type II (FCORD2). Also called: Focal cortical dysplasia type II; CORTICAL DYSPLASIA OF TAYLOR. Identifiers: Orphanet 268994, MedGen C1846385, MONDO:0011818, OMIM 607341, HP:0032051.
Tuberous sclerosis syndrome (TSC). Also called: Tuberous Sclerosis Complex; Tuberous sclerosis. Identifiers: Orphanet 805, MedGen C0041341, MONDO:0001734.
Hereditary cancer-predisposing syndrome. Also called: Tumor predisposition; Hereditary Cancer Syndrome; Hereditary neoplastic syndrome; Neoplastic Syndromes, Hereditary. Identifiers: Orphanet 140162, MedGen C0027672, MeSH D009386, MONDO:0015356.

Allele frequency attached by ClinVar (database versions not stated): ExAC 0.00008; ESP Exome Variant Server 0.00015; gnomAD 0.00021; TOPMed 0.00021; gnomAD exomes 0.00004 and 0.00005.
gnomAD v4.1: 106 of 1,612,000 alleles (0.0066%); highest among the groups gnomAD compares: African/African-American, 0.04%; no homozygotes.

Submissions (9):

Labcorp Genetics (formerly Invitae), Labcorp
Classification: Benign for Tuberous sclerosis 1. Last evaluated: 2026-01-04. Review status: criteria provided, single submitter. Criteria: Invitae Variant Classification Sherloc (09022015). Collection method: clinical testing. Allele origin: germline.

Myriad Genetics, Inc.
Classification: Benign for Tuberous sclerosis 1. Last evaluated: 2025-04-10. Review status: criteria provided, single submitter. Criteria: Myriad Autosomal Dominant, Autosomal Recessive and X-Linked Classification Criteria (2023). Collection method: clinical testing. Allele origin: unknown.
Comment: This variant is considered benign. This variant is a silent/synonymous amino acid change and it is not expected to impact splicing.

Color Diagnostics, LLC DBA Color Health
Classification: Benign for Tuberous sclerosis syndrome. Last evaluated: 2023-01-13. Review status: criteria provided, single submitter. Criteria: ACMG Guidelines, 2015. Collection method: clinical testing. Allele origin: germline.

Fulgent Genetics
Classification: Likely benign for Tuberous sclerosis 1; Lymphangiomyomatosis; Isolated focal cortical dysplasia type II. Last evaluated: 2021-12-23. Review status: criteria provided, single submitter. Criteria: ACMG Guidelines, 2015. Collection method: clinical testing. Allele origin: unknown.

Genome-Nilou Lab
Classification: Benign for Tuberous sclerosis 1. Last evaluated: 2021-11-07. Review status: criteria provided, single submitter. Criteria: ACMG Guidelines, 2015. Collection method: clinical testing. Allele origin: germline. Affected: no.

Sema4
Classification: Benign for Hereditary cancer-predisposing syndrome. Last evaluated: 2021-10-30. Review status: criteria provided, single submitter. Criteria: Sema4 Curation Guidelines. Collection method: curation. Allele origin: germline.

GeneDx
Classification: Likely benign. Last evaluated: 2021-02-26. Review status: criteria provided, single submitter. Criteria: GeneDx Variant Classification Process June 2021. Collection method: clinical testing. Allele origin: germline. Affected: yes.

Blueprint Genetics
Classification: Likely benign. Last evaluated: 2018-12-03. Review status: criteria provided, single submitter. Criteria: ACMG Guidelines, 2015. Collection method: clinical testing. Allele origin: germline.

Ambry Genetics
Classification: Likely benign for Hereditary cancer-predisposing syndrome. Last evaluated: 2017-02-01. Review status: criteria provided, single submitter. Criteria: Ambry Variant Classification Scheme 2023. Collection method: clinical testing. Allele origin: germline.

NM_000368.5(TSC1):c.1677C>T (p.Cys559=)

Gene: TSC1 (TSC complex subunit 1; minus strand). Cytogenetic location: 9q34.13.
Variant type: single nucleotide variant.
Coding change: c.1677C>T on transcript NM_000368.5 (MANE Select); coding-DNA position 1677, C replaced by T.
Protein change: p.Cys559=; no amino-acid change (cysteine 559 retained).
Molecular consequence: synonymous variant.
Genome position (GRCh38, 1-based): chr9:132,905,901, G>A on the plus strand (C>T on the coding strand, the complement: TSC1 is on the minus strand). VCF-style: chr9-132905901-G-A. GRCh37 (hg19) VCF-style: chr9-135781288-G-A.
Other names: c.1674C>T, p.Cys558= (NM_001162426.2); c.1524C>T, p.Cys508= (NM_001162427.2); c.1314C>T, p.Cys438= (NM_001362177.2).
Identifiers: ClinVar variation 416685 (VCV000416685.23), dbSNP rs368317116, ClinGen allele CA029343.
Genomic context (GRCh38, chr9:132,905,901, plus strand): 5'-ACTGGTCTCCAAAGAAGTCTGGCATTCCCTGTCTCCCGCAGGGCTTTCATCAGCACTGCC[G>A]CAGGGCAGGTCTATGGGAGTAAAGGCTTGCTTTGGTGTGTCAGGCCCAAGCTTGTCCAGG-3'
Protein context (NP_000359.1, residues 549-569): KQAFTPIDLP[Cys559=]GSADESPAGD